The following is an entry in ClinVar:

NM_001329943.3(KIAA0586):c.4323+3A>G

Gene: KIAA0586 (KIAA0586; plus strand). Cytogenetic location: 14q23.1.
Variant type: single nucleotide variant.
Coding change: c.4323+3A>G on transcript NM_001329943.3 (MANE Select); 3 bases into the intron after coding-DNA position 4323, A replaced by G.
Molecular consequence: intron variant.
Genome position (GRCh38, 1-based): chr14:58,508,712, A>G. VCF-style: chr14-58508712-A-G. GRCh37 (hg19) VCF-style: chr14-58975430-A-G.
Other names: c.4482+3A>G (NM_001244189.2); c.4278+3A>G (NM_001244190.2); c.4191+3A>G (NM_001244192.2, NM_001329947.2); c.4068+3A>G (NM_001244191.2, NM_001364701.2, NM_001329945.2 and 1 more transcripts); c.4323+3A>G (NM_001329944.2, NM_001329946.2); c.4095+3A>G (NM_014749.5); c.3903+3A>G (NM_001244193.2).
Identifiers: ClinVar variation 1896109 (VCV001896109.5), dbSNP rs766898521, ClinGen allele CA7206364.

ClinVar aggregate classification (germline): Uncertain significance (1 of 4 stars; one submission).

Conditions:
Joubert syndrome 23 (JBTS23). Identifiers: Orphanet 475, MedGen C4084822, MONDO:0014664, OMIM 616490.
Short-rib thoracic dysplasia 14 with polydactyly (SRTD14). Identifiers: Orphanet 397715, MedGen C4225286, MONDO:0014688, OMIM 616546.

Allele frequency attached by ClinVar (database versions not stated): gnomAD exomes below 0.00001; TOPMed 0.00001.
gnomAD v4.1: 2 of 1,575,608 alleles (0.00013%); highest among the groups gnomAD compares: Admixed American, 0.0037%; no homozygotes.

Submission:

Labcorp Genetics (formerly Invitae), Labcorp
Classification: Uncertain significance for Joubert syndrome 23; Short-rib thoracic dysplasia 14 with polydactyly. Last evaluated: 2022-04-16. Review status: criteria provided, single submitter. Criteria: Invitae Variant Classification Sherloc (09022015). Collection method: clinical testing. Allele origin: germline.
Comment: Variants that disrupt the consensus splice site are a relatively common cause of aberrant splicing (PMID: 17576681, 9536098). Algorithms developed to predict the effect of sequence changes on RNA splicing suggest that this variant may disrupt the consensus splice site. In summary, the available evidence is currently insufficient to determine the role of this variant in disease. Therefore, it has been classified as a Variant of Uncertain Significance. The frequency data for this variant in the population databases is considered unreliable, as metrics indicate poor data quality at this position in the gnomAD database. This variant has not been reported in the literature in individuals affected with KIAA0586-related conditions. This sequence change falls in intron 30 of the KIAA0586 gene. It does not directly change the encoded amino acid sequence of the KIAA0586 protein. It affects a nucleotide within the consensus splice site.

Literature cited by the submitters: PubMed 17576681; PubMed 9536098.